The following is an entry in ClinVar:

NM_014141.6(CNTNAP2):c.3897G>C (p.Lys1299Asn)

Gene: CNTNAP2 (contactin associated protein 2; plus strand). Cytogenetic location: 7q36.1.
Variant type: single nucleotide variant.
Coding change: c.3897G>C on transcript NM_014141.6 (MANE Select); coding-DNA position 3897, G replaced by C.
Protein change: p.Lys1299Asn; replaces lysine 1299 with asparagine.
Molecular consequence: missense variant.
Genome position (GRCh38, 1-based): chr7:148,415,517, G>C. VCF-style: chr7-148415517-G-C. GRCh37 (hg19) VCF-style: chr7-148112609-G-C.
Other names: short protein forms K1299N.
Identifiers: ClinVar variation 656484 (VCV000656484.9), dbSNP rs1585362663, ClinGen allele CA369706850.

ClinVar aggregate classification (germline): Uncertain significance (1 of 4 stars; one submission).

Conditions:
Cortical dysplasia-focal epilepsy syndrome (PTHSL1). Also called: Pitt-Hopkins-like syndrome 1. Identifiers: Orphanet 163681, Orphanet 221150, MedGen C2750246, MONDO:0012400, OMIM 610042.

Submission:

Labcorp Genetics (formerly Invitae), Labcorp
Classification: Uncertain significance for Cortical dysplasia-focal epilepsy syndrome. Last evaluated: 2018-11-24. Review status: criteria provided, single submitter. Criteria: Invitae Variant Classification Sherloc (09022015). Collection method: clinical testing. Allele origin: germline.
Comment: In summary, the available evidence is currently insufficient to determine the role of this variant in disease. Therefore, it has been classified as a Variant of Uncertain Significance. Algorithms developed to predict the effect of missense changes on protein structure and function are either unavailable or do not agree on the potential impact of this missense change (SIFT: "Deleterious"; PolyPhen-2: "Benign"; Align-GVGD: "Class C0"). This variant has not been reported in the literature in individuals with CNTNAP2-related conditions. This variant is not present in population databases (ExAC no frequency). This sequence change replaces lysine with asparagine at codon 1299 of the CNTNAP2 protein (p.Lys1299Asn). The lysine residue is highly conserved and there is a moderate physicochemical difference between lysine and asparagine.